The following is an entry in ClinVar:

NM_201384.3(PLEC):c.5391C>T (p.Arg1797=)

Gene: PLEC (plectin; minus strand). Cytogenetic location: 8q24.3.
Variant type: single nucleotide variant.
Coding change: c.5391C>T on transcript NM_201384.3 (MANE Select); coding-DNA position 5391, C replaced by T.
Protein change: p.Arg1797=; no amino-acid change (arginine 1797 retained).
Molecular consequence: synonymous variant.
Genome position (GRCh38, 1-based): chr8:143,924,538, G>A on the plus strand (C>T on the coding strand, the complement: PLEC is on the minus strand). VCF-style: chr8-143924538-G-A. GRCh37 (hg19) VCF-style: chr8-144998706-G-A.
Other names: p.Arg1783=; c.5472C>T, p.Arg1824= (NM_000445.5); c.5349C>T, p.Arg1783= (NM_201378.4); c.5325C>T, p.Arg1775= (NM_201379.3); c.5802C>T, p.Arg1934= (NM_201380.4); c.5295C>T, p.Arg1765= (NM_201381.3); c.5391C>T, p.Arg1797= (NM_201382.4); c.5403C>T, p.Arg1801= (NM_201383.3).
Identifiers: ClinVar variation 196732 (VCV000196732.46), dbSNP rs551187778, ClinGen allele CA243858.
Genomic context (GRCh38, chr8:143,924,538, plus strand): 5'-CCGCTGCCGCTTGGCCTCTTCCGCCAGGGCACGCAGGCGGGCGGCCTCCTCGGCCAGCTC[G>A]CGGAACCGGCCGGCCTCGGCCTCCAGCCTCTGCTTGGACTTCTCGCTGGTGGAGCGCGAC-3'
Protein context (NP_958786.1, residues 1787-1807): QRLEAEAGRF[Arg1797=]ELAEEAARLR

ClinVar aggregate classification (germline): Conflicting classifications of pathogenicity. Review status: criteria provided, conflicting classifications (1 of 4 stars). 8 submissions from 8 submitters: Uncertain significance (1); Benign (2); Likely benign (4). 1 of the submissions does not count toward it. Last evaluated 2026-02-01.

Conditions:
PLEC-related disorder. Also called: PLEC-related disorders; PLEC-related condition.
Epidermolysis bullosa simplex, Ogna type (EBS5A). Also called: Pidermolysis bullosa simplex 5A, Ogna type; EPIDERMOLYSIS BULLOSA SIMPLEX 5A, OGNA TYPE. Identifiers: Orphanet 79401, MedGen C0432317, MONDO:0007555, OMIM 131950.
Epidermolysis bullosa simplex 5C, with pyloric atresia (EBS5C). Also called: PLEC-Related Epidermolysis Bullosa with Pyloric Atresia; Epidermolysis bullosa simplex with pyloric atresia; PLEC1-Related Epidermolysis Bullosa with Pyloric Atresia. Identifiers: Orphanet 158684, MedGen C2677349, MONDO:0012807, OMIM 612138.
Autosomal recessive limb-girdle muscular dystrophy type 2Q (LGMDR17). Also called: MUSCULAR DYSTROPHY, LIMB-GIRDLE, AUTOSOMAL RECESSIVE 17. Identifiers: Orphanet 254361, MedGen C3150989, MONDO:0013390, OMIM 613723.
Epidermolysis bullosa simplex with nail dystrophy (EBS5D). Identifiers: MedGen C4225309, MONDO:0014661, OMIM 616487.
Epidermolysis bullosa simplex 5B, with muscular dystrophy (EBS5B). Also called: EPIDERMOLYSIS BULLOSA SIMPLEX AND LIMB-GIRDLE MUSCULAR DYSTROPHY; Epidermolysis bullosa simplex with muscular dystrophy. Identifiers: Orphanet 257, MedGen C2931072, MONDO:0009181, OMIM 226670.

Allele frequency attached by ClinVar (database versions not stated): 1000 Genomes Project 30x 0.00047; 1000 Genomes Project 0.00060; gnomAD 0.00110; gnomAD exomes 0.00120 and 0.00160; ExAC 0.00154; TOPMed 0.00167.

Submissions (8):

Labcorp Genetics (formerly Invitae), Labcorp
Classification: Benign for Autosomal recessive limb-girdle muscular dystrophy type 2Q; Epidermolysis bullosa simplex, Ogna type; Epidermolysis bullosa simplex with nail dystrophy; Epidermolysis bullosa simplex 5C, with pyloric atresia; Epidermolysis bullosa simplex 5B, with muscular dystrophy. Last evaluated: 2026-02-01. Review status: criteria provided, single submitter. Criteria: Invitae Variant Classification Sherloc (09022015). Collection method: clinical testing. Allele origin: germline.

Mayo Clinic Laboratories, Mayo Clinic
Classification: Likely benign. Last evaluated: 2025-05-20. Review status: criteria provided, single submitter. Criteria: ACMG Guidelines, 2015. Collection method: clinical testing. Allele origin: germline. Observed: 9 variant alleles.
Comment: BS1, BP4, BP7

Blueprint Genetics
Classification: Likely benign. Last evaluated: 2024-11-26. Review status: criteria provided, single submitter. Criteria: ACMG Guidelines, 2015. Collection method: clinical testing. Allele origin: germline.

CeGaT Center for Human Genetics Tuebingen
Classification: Likely benign. Last evaluated: 2024-11-01. Review status: criteria provided, single submitter. Criteria: CeGaT Center For Human Genetics Tuebingen Variant Classification Criteria Version 2. Collection method: clinical testing. Allele origin: germline. Affected: yes. Observed: 4 variant alleles.
Comment: PLEC: BP4, BP7

Athena Diagnostics
Classification: Benign. Last evaluated: 2023-12-22. Review status: criteria provided, single submitter. Criteria: Athena Diagnostics Criteria. Collection method: clinical testing. Allele origin: unknown.

GeneDx
Classification: Likely benign. Last evaluated: 2020-04-21. Review status: criteria provided, single submitter. Criteria: GeneDx Variant Classification Process June 2021. Collection method: clinical testing. Allele origin: germline. Affected: yes.

Eurofins Ntd Llc (ga)
Classification: Uncertain significance. Last evaluated: 2015-12-17. Review status: criteria provided, single submitter. Criteria: EGL Classification Definitions 2015. Collection method: clinical testing. Allele origin: germline. Observed: 6 variant alleles, 6 heterozygotes.

PreventionGenetics, part of Exact Sciences
Classification: Likely benign for PLEC-related condition. Last evaluated: 2022-06-01. Review status: no assertion criteria provided. Collection method: clinical testing. Allele origin: germline. Not counted in ClinVar's aggregate classification.
Comment: This variant is classified as likely benign based on ACMG/AMP sequence variant interpretation guidelines (Richards et al. 2015 PMID: 25741868, with internal and published modifications).